The following is an entry in ClinVar:

NM_000078.3(CETP):c.921C>T (p.Asp307=)

Gene: CETP (cholesteryl ester transfer protein; plus strand). Cytogenetic location: 16q13.
Variant type: single nucleotide variant.
Coding change: c.921C>T on transcript NM_000078.3 (MANE Select); coding-DNA position 921, C replaced by T.
Protein change: p.Asp307=; no amino-acid change (aspartic acid 307 retained).
Molecular consequence: synonymous variant. On other transcripts: intron variant (1).
Genome position (GRCh38, 1-based): chr16:56,973,501, C>T. VCF-style: chr16-56973501-C-T. GRCh37 (hg19) VCF-style: chr16-57007413-C-T.
Other names: c.750+1418C>T (NM_001286085.2).
Identifiers: ClinVar variation 721350 (VCV000721350.16), dbSNP rs28381708, ClinGen allele CA8071136.

ClinVar aggregate classification (germline): Benign/Likely benign. Review status: criteria provided, multiple submitters, no conflicts (2 of 4 stars). 4 submissions from 4 submitters: Benign (1); Likely benign (2). 1 of the submissions does not count toward it. Last evaluated 2026-02-01.

Conditions:
CETP-related disorder. Also called: CETP-related condition.
Hyperalphalipoproteinemia 1 (HALP1). Also called: CETP-Related Hyperalphalipoproteinemia; CETP DEFICIENCY. Identifiers: MedGen C3149462, OMIM 143470.

Allele frequency attached by ClinVar (database versions not stated): 1000 Genomes Project 30x 0.00031; 1000 Genomes Project 0.00040; TOPMed 0.00069; gnomAD 0.00077 and 0.00079; ESP Exome Variant Server 0.00100.
gnomAD v4.1: 1,555 of 1,614,078 alleles (0.096%); highest among the groups gnomAD compares: Non-Finnish European, 0.12%; 8 homozygotes.

Submissions (4):

Labcorp Genetics (formerly Invitae), Labcorp
Classification: Likely benign. Last evaluated: 2026-02-01. Review status: criteria provided, single submitter. Criteria: Invitae Variant Classification Sherloc (09022015). Collection method: clinical testing. Allele origin: germline.

GeneDx
Classification: Likely benign. Last evaluated: 2019-09-10. Review status: criteria provided, single submitter. Criteria: GeneDx Variant Classification Process June 2021. Collection method: clinical testing. Allele origin: germline. Affected: yes.

Illumina Laboratory Services, Illumina
Classification: Benign for Hyperalphalipoproteinemia 1. Last evaluated: 2018-01-13. Review status: criteria provided, single submitter. Criteria: ICSL Variant Classification Criteria 13 December 2019. Collection method: clinical testing. Allele origin: germline.
Comment: This variant was observed in the ICSL laboratory as part of a predisposition screen in an ostensibly healthy population. It had not been previously curated by ICSL or reported in the Human Gene Mutation Database (HGMD: prior to June 1st, 2018), and was therefore a candidate for classification through an automated scoring system. Utilizing variant allele frequency, disease prevalence and penetrance estimates, and inheritance mode, an automated score was calculated to assess if this variant is too frequent to cause the disease. Based on the score and internal cut-off values, a variant classified as benign is not then subjected to further curation. The score for this variant resulted in a classification of benign for this disease.

PreventionGenetics, part of Exact Sciences
Classification: Likely benign for CETP-related condition. Last evaluated: 2019-07-16. Review status: no assertion criteria provided. Collection method: clinical testing. Allele origin: germline. Not counted in ClinVar's aggregate classification.
Comment: This variant is classified as likely benign based on ACMG/AMP sequence variant interpretation guidelines (Richards et al. 2015 PMID: 25741868, with internal and published modifications).